The following is an entry in ClinVar:

NM_001099922.3(ALG13):c.2465A>G (p.Gln822Arg)

Gene: ALG13 (ALG13 UDP-N-acetylglucosaminyltransferase subunit; plus strand). Cytogenetic location: Xq23.
Variant type: single nucleotide variant.
Coding change: c.2465A>G on transcript NM_001099922.3 (MANE Select); coding-DNA position 2465, A replaced by G.
Protein change: p.Gln822Arg; replaces glutamine 822 with arginine.
Molecular consequence: missense variant. On other transcripts: non-coding transcript variant (1).
Genome position (GRCh38, 1-based): chrX:111,735,058, A>G. VCF-style: chrX-111735058-A-G. GRCh37 (hg19) VCF-style: chrX-110978286-A-G.
Other names: c.2153A>G, p.Gln718Arg (NM_001257230.2, NM_001257234.2, NM_001257237.2); c.2231A>G, p.Gln744Arg (NM_001257231.2); c.2465A>G, p.Gln822Arg (NM_001324292.2); c.1979A>G, p.Gln660Arg (NM_001324293.1); short protein forms Q660R, Q718R, Q744R, Q822R.
Identifiers: ClinVar variation 1707898 (VCV001707898.5), dbSNP rs1296261107, ClinGen allele CA414254131.

ClinVar aggregate classification (germline): Uncertain significance. Review status: criteria provided, multiple submitters, no conflicts (2 of 4 stars). 2 submissions from 2 submitters: Uncertain significance (2). Last evaluated 2025-09-24.

Conditions:
Developmental and epileptic encephalopathy, 36 (DEE36). Also called: ALG13-CDG; Epileptic encephalopathy, early infantile, 36; Congenital disorder of glycosylation, type Is. Identifiers: Orphanet 324422, MedGen C4317295, MONDO:0010472, OMIM 300884.

Allele frequency attached by ClinVar (database versions not stated): TOPMed 0.00002.

Submissions (2):

Labcorp Genetics (formerly Invitae), Labcorp
Classification: Uncertain significance for Developmental and epileptic encephalopathy, 36. Last evaluated: 2025-09-24. Review status: criteria provided, single submitter. Criteria: Invitae Variant Classification Sherloc (09022015). Collection method: clinical testing. Allele origin: germline.
Comment: This sequence change replaces glutamine, which is neutral and polar, with arginine, which is basic and polar, at codon 822 of the ALG13 protein (p.Gln822Arg). This variant is not present in population databases (gnomAD no frequency). This variant has not been reported in the literature in individuals affected with ALG13-related conditions. ClinVar contains an entry for this variant (Variation ID: 1707898). Invitae Evidence Modeling of protein sequence and biophysical properties (such as structural, functional, and spatial information, amino acid conservation, physicochemical variation, residue mobility, and thermodynamic stability) has been performed for this missense variant. However, the output from this modeling did not meet the statistical confidence thresholds required to predict the impact of this variant on ALG13 protein function. In summary, the available evidence is currently insufficient to determine the role of this variant in disease. Therefore, it has been classified as a Variant of Uncertain Significance.

GeneDx
Classification: Uncertain significance. Last evaluated: 2022-03-31. Review status: criteria provided, single submitter. Criteria: GeneDx Variant Classification Process June 2021. Collection method: clinical testing. Allele origin: germline. Affected: yes.
Comment: Not observed at significant frequency in large population cohorts (gnomAD); In silico analysis supports that this missense variant does not alter protein structure/function; Has not been previously published as pathogenic or benign to our knowledge